The following is an entry in ClinVar:

NM_017999.5(RNF31):c.3166-2A>G

Gene: RNF31 (ring finger protein 31; plus strand). Cytogenetic location: 14q12.
Variant type: single nucleotide variant.
Coding change: c.3166-2A>G on transcript NM_017999.5 (MANE Select); the canonical splice acceptor site of the intron before coding-DNA position 3166, A replaced by G.
Molecular consequence: splice acceptor variant.
Genome position (GRCh38, 1-based): chr14:24,160,518, A>G. VCF-style: chr14-24160518-A-G. GRCh37 (hg19) VCF-style: chr14-24629727-A-G.
Other names: c.2713-2A>G (NM_001310332.2).
Identifiers: ClinVar variation 4729163 (VCV004729163.1).

ClinVar aggregate classification (germline): Uncertain significance (1 of 4 stars; one submission).

Submission:

Labcorp Genetics (formerly Invitae), Labcorp
Classification: Uncertain significance. Last evaluated: 2025-10-14. Review status: criteria provided, single submitter. Criteria: Invitae Variant Classification Sherloc (09022015). Collection method: clinical testing. Allele origin: germline.
Comment: This sequence change falls in intron 20 of the RNF31 gene. It does not directly change the encoded amino acid sequence of the RNF31 protein. It affects a nucleotide within the consensus splice site. This variant is not present in population databases (gnomAD no frequency). This variant has not been reported in the literature in individuals affected with RNF31-related conditions. Variants that disrupt the consensus splice site are a relatively common cause of aberrant splicing (PMID: 17576681, 9536098). Algorithms developed to predict the effect of sequence changes on RNA splicing suggest that this variant may disrupt the consensus splice site. In summary, the available evidence is currently insufficient to determine the role of this variant in disease. Therefore, it has been classified as a Variant of Uncertain Significance.

Literature cited by the submitters: PubMed 17576681; PubMed 9536098.